The following is an entry in ClinVar:

ClinVar aggregate classification (germline): Uncertain significance (1 of 4 stars; one submission).

gnomAD v4.1: 2 of 1,614,204 alleles (0.00012%); highest among the groups gnomAD compares: Non-Finnish European, 0.00017%; no homozygotes.

Submission:

Labcorp Genetics (formerly Invitae), Labcorp
Classification: Uncertain significance. Last evaluated: 2024-12-24. Review status: criteria provided, single submitter. Criteria: Invitae Variant Classification Sherloc (09022015). Collection method: clinical testing. Allele origin: germline.
Comment: This sequence change replaces glutamine, which is neutral and polar, with histidine, which is basic and polar, at codon 49 of the SRCAP protein (p.Gln49His). This variant is not present in population databases (gnomAD no frequency). This variant has not been reported in the literature in individuals affected with SRCAP-related conditions. Invitae Evidence Modeling of protein sequence and biophysical properties (such as structural, functional, and spatial information, amino acid conservation, physicochemical variation, residue mobility, and thermodynamic stability) indicates that this missense variant is not expected to disrupt SRCAP protein function with a negative predictive value of 80%. In summary, the available evidence is currently insufficient to determine the role of this variant in disease. Therefore, it has been classified as a Variant of Uncertain Significance.

NM_006662.3(SRCAP):c.147G>T (p.Gln49His)

Gene: SRCAP (Snf2 related CREBBP activator protein; plus strand). Cytogenetic location: 16p11.2.
Variant type: single nucleotide variant.
Coding change: c.147G>T on transcript NM_006662.3 (MANE Select); coding-DNA position 147, G replaced by T.
Protein change: p.Gln49His; replaces glutamine 49 with histidine.
Molecular consequence: missense variant.
Genome position (GRCh38, 1-based): chr16:30,704,156, G>T. VCF-style: chr16-30704156-G-T. GRCh37 (hg19) VCF-style: chr16-30715477-G-T.
Other names: short protein forms Q49H.
Identifiers: ClinVar variation 3688399 (VCV003688399.2).